The following is an entry in ClinVar:

NM_001353345.2(SETD1B):c.1292C>T (p.Ala431Val)

Gene: SETD1B (SET domain containing 1B, histone lysine methyltransferase; plus strand). Cytogenetic location: 12q24.31.
Variant type: single nucleotide variant.
Coding change: c.1292C>T on transcript NM_001353345.2 (MANE Select); coding-DNA position 1292, C replaced by T.
Protein change: p.Ala431Val; replaces alanine 431 with valine.
Molecular consequence: missense variant.
Genome position (GRCh38, 1-based): chr12:121,810,237, C>T. VCF-style: chr12-121810237-C-T. GRCh37 (hg19) VCF-style: chr12-122248143-C-T.
Other names: NM_015048.1:c.1292C>T; short protein forms A431V.
Identifiers: ClinVar variation 2631239 (VCV002631239.1), dbSNP rs1875959261, ClinGen allele CA386991273.

ClinVar aggregate classification (germline): Uncertain significance (1 of 4 stars; one submission).

Conditions:
SETD1B-related disorder. Also called: SETD1B-related condition.

Allele frequency attached by ClinVar (database versions not stated): gnomAD exomes below 0.00001; TOPMed 0.00001.
gnomAD v4.1: 2 of 1,547,656 alleles (0.00013%); highest among the groups gnomAD compares: African/African-American, 0.0014%; no homozygotes.

Submission:

PreventionGenetics, part of Exact Sciences
Classification: Uncertain significance for SETD1B-related condition. Last evaluated: 2023-08-16. Review status: criteria provided, single submitter. Criteria: ACMG Guidelines, 2015. Collection method: clinical testing. Allele origin: germline.
Comment: The SETD1B c.1292C>T variant is predicted to result in the amino acid substitution p.Ala431Val. To our knowledge, this variant has not been reported in the literature or in a large population database, indicating this variant is rare. At this time, the clinical significance of this variant is uncertain due to the absence of conclusive functional and genetic evidence.